The following is an entry in ClinVar:

NM_014704.4(CEP104):c.2246A>C (p.Tyr749Ser)

Gene: CEP104 (centrosomal protein 104; minus strand). Cytogenetic location: 1p36.32.
Variant type: single nucleotide variant.
Coding change: c.2246A>C on transcript NM_014704.4 (MANE Select); coding-DNA position 2246, A replaced by C.
Protein change: p.Tyr749Ser; replaces tyrosine 749 with serine.
Molecular consequence: missense variant.
Genome position (GRCh38, 1-based): chr1:3,826,379, T>G on the plus strand (A>C on the coding strand, the complement: CEP104 is on the minus strand). VCF-style: chr1-3826379-T-G. GRCh37 (hg19) VCF-style: chr1-3742943-T-G.
Other names: c.2246A>C (NM_014704.3); short protein forms Y749S.
Identifiers: ClinVar variation 2139936 (VCV002139936.4), dbSNP rs533659013, ClinGen allele CA551359.

ClinVar aggregate classification (germline): Conflicting classifications of pathogenicity. Review status: criteria provided, conflicting classifications (1 of 4 stars). 3 submissions from 3 submitters: Uncertain significance (2); Likely benign (1). Last evaluated 2024-09-20.

Conditions:
Intellectual developmental disorder, autosomal recessive 77 (MRT77). Identifiers: MedGen C5774193, MONDO:0031031, OMIM 619988.
Joubert syndrome 25 (JBTS25). Identifiers: Orphanet 475, MedGen C4084842, MONDO:0014770, OMIM 616781.
Inborn genetic diseases. Identifiers: MedGen C0950123, MeSH D030342.

Allele frequency attached by ClinVar (database versions not stated): TOPMed 0.00006.
gnomAD v4.1: 111 of 1,613,846 alleles (0.0069%); highest among the groups gnomAD compares: Middle Eastern, 0.066%; no homozygotes.

Submissions (3):

3billion
Classification: Likely benign for Intellectual developmental disorder, autosomal recessive 77; Joubert syndrome 25. Last evaluated: 2024-09-20. Review status: criteria provided, single submitter. Criteria: ACMG Guidelines, 2015. Collection method: clinical testing. Allele origin: germline. Affected: no.
Comment: The homozygous variant was found in patients diagnosed with another variant in a different gene, with no symptoms related to the gene containing the homozygous variant.

Ambry Genetics
Classification: Uncertain significance for Inborn genetic diseases. Last evaluated: 2024-08-04. Review status: criteria provided, single submitter. Criteria: Ambry Variant Classification Scheme 2023. Collection method: clinical testing. Allele origin: germline.

Labcorp Genetics (formerly Invitae), Labcorp
Classification: Uncertain significance for Joubert syndrome 25. Last evaluated: 2022-06-13. Review status: criteria provided, single submitter. Criteria: Invitae Variant Classification Sherloc (09022015). Collection method: clinical testing. Allele origin: germline.
Comment: In summary, the available evidence is currently insufficient to determine the role of this variant in disease. Therefore, it has been classified as a Variant of Uncertain Significance. Algorithms developed to predict the effect of missense changes on protein structure and function (SIFT, PolyPhen-2, Align-GVGD) all suggest that this variant is likely to be tolerated. This variant has not been reported in the literature in individuals affected with CEP104-related conditions. This variant is present in population databases (rs533659013, gnomAD 0.03%). This sequence change replaces tyrosine, which is neutral and polar, with serine, which is neutral and polar, at codon 749 of the CEP104 protein (p.Tyr749Ser).